The following is an entry in ClinVar:

NM_032806.6(POMGNT2):c.-43C>A

Gene: POMGNT2 (protein O-linked mannose N-acetylglucosaminyltransferase 2 (beta 1,4-); minus strand). Cytogenetic location: 3p22.1.
Variant type: single nucleotide variant.
Coding change: c.-43C>A on transcript NM_032806.6 (MANE Select); 43 bases upstream of the start codon, C replaced by A.
Molecular consequence: 5 prime UTR variant.
Genome position (GRCh38, 1-based): chr3:43,081,474, G>T on the plus strand (C>A on the coding strand, the complement: POMGNT2 is on the minus strand). VCF-style: chr3-43081474-G-T. GRCh37 (hg19) VCF-style: chr3-43122966-G-T.
Identifiers: ClinVar variation 512428 (VCV000512428.2), dbSNP rs2936818, ClinGen allele CA2340193.

ClinVar aggregate classification (germline): Likely benign. Review status: criteria provided, multiple submitters, no conflicts (2 of 4 stars). 2 submissions from 2 submitters: Likely benign (2). Last evaluated 2017-10-12.

Allele frequency attached by ClinVar (database versions not stated): 1000 Genomes Project 30x 0.00047; 1000 Genomes Project 0.00060.

Submissions (2):

GeneDx
Classification: Likely benign. Last evaluated: 2017-10-12. Review status: criteria provided, single submitter. Criteria: GeneDx Variant Classification (06012015). Collection method: clinical testing. Allele origin: germline. Affected: yes.
Comment: This variant is considered likely benign or benign based on one or more of the following criteria: it is a conservative change, it occurs at a poorly conserved position in the protein, it is predicted to be benign by multiple in silico algorithms, and/or has population frequency not consistent with disease.

Breakthrough Genomics
Classification: Likely benign. Review status: criteria provided, single submitter. Criteria: ACMG Guidelines, 2015. Collection method: not provided. Allele origin: germline. Inheritance: Autosomal recessive inheritance. Affected: yes.